The following is an entry in ClinVar:

NC_000018.9:g.(?_25727617)_(25756986_?)dup

Gene: CDH2 (cadherin 2; minus strand). Cytogenetic location: 18q12.1.
Variant type: Duplication.
Identifiers: ClinVar variation 2424239 (VCV002424239.4).

ClinVar aggregate classification (germline): Uncertain significance (1 of 4 stars; one submission).

Submission:

Labcorp Genetics (formerly Invitae), Labcorp
Classification: Uncertain significance. Last evaluated: 2022-08-22. Review status: criteria provided, single submitter. Criteria: Invitae Variant Classification Sherloc (09022015). Collection method: clinical testing. Allele origin: germline.
Comment: This variant results in a copy number gain of the genomic region encompassing exon(s) 1-2 of the CDH2 gene. This region includes the initiator codon of the gene. This copy number gain extends beyond the assayed region for this gene and therefore may encompass additional genes. As the precise location of this event is unknown, it may be in tandem or it may be located elsewhere in the genome. In summary, the available evidence is currently insufficient to determine the role of this variant in disease. Therefore, it has been classified as a Variant of Uncertain Significance. This variant has not been reported in the literature in individuals affected with CDH2-related conditions.